The following is an entry in ClinVar:

ClinVar aggregate classification (germline): Uncertain significance (1 of 4 stars; one submission).

Conditions:
Alstrom syndrome (ALMS). Identifiers: Orphanet 64, MedGen C0268425, MONDO:0008763, OMIM 203800.

gnomAD v4.1: 1 of 1,613,402 alleles (0.000062%); highest among the groups gnomAD compares: Non-Finnish European, 0.000085%; no homozygotes.

Submission:

Labcorp Genetics (formerly Invitae), Labcorp
Classification: Uncertain significance for Alstrom syndrome. Last evaluated: 2025-07-29. Review status: criteria provided, single submitter. Criteria: Invitae Variant Classification Sherloc (09022015). Collection method: clinical testing. Allele origin: germline.
Comment: This sequence change replaces lysine, which is basic and polar, with asparagine, which is neutral and polar, at codon 2074 of the ALMS1 protein (p.Lys2074Asn). This variant is not present in population databases (gnomAD no frequency). This variant has not been reported in the literature in individuals affected with ALMS1-related conditions. An algorithm developed to predict the effect of missense changes on protein structure and function outputs the following: PolyPhen-2: "Not Available". The asparagine amino acid residue is found in multiple mammalian species, which suggests that this missense change does not adversely affect protein function. In summary, the available evidence is currently insufficient to determine the role of this variant in disease. Therefore, it has been classified as a Variant of Uncertain Significance.

NM_001378454.1(ALMS1):c.6219G>C (p.Lys2073Asn)

Gene: ALMS1 (ALMS1 centrosome and basal body associated protein; plus strand). Cytogenetic location: 2p13.1.
Variant type: single nucleotide variant.
Coding change: c.6219G>C on transcript NM_001378454.1 (MANE Select); coding-DNA position 6219, G replaced by C.
Protein change: p.Lys2073Asn; replaces lysine 2073 with asparagine.
Molecular consequence: missense variant.
Genome position (GRCh38, 1-based): chr2:73,452,746, G>C. VCF-style: chr2-73452746-G-C. GRCh37 (hg19) VCF-style: chr2-73679873-G-C.
Other names: c.6222G>C, p.Lys2074Asn (NM_015120.4); short protein forms K2073N, K2074N.
Identifiers: ClinVar variation 4741490 (VCV004741490.1).